The following is an entry in ClinVar:

ClinVar aggregate classification (germline): Likely pathogenic (1 of 4 stars; one submission).

gnomAD v4.1: 1 of 1,614,102 alleles (0.000062%); highest among the groups gnomAD compares: Non-Finnish European, 0.000085%; no homozygotes.

Submission:

GeneDx
Classification: Likely pathogenic. Last evaluated: 2024-03-13. Review status: criteria provided, single submitter. Criteria: GeneDx Variant Classification Process June 2021. Collection method: clinical testing. Allele origin: germline. Affected: yes.
Comment: Not observed at significant frequency in large population cohorts (gnomAD); In silico analysis supports a deleterious effect on splicing; Has not been previously published as pathogenic or benign to our knowledge

NM_024757.5(EHMT1):c.823+3A>G

Gene: EHMT1 (euchromatic histone lysine methyltransferase 1; plus strand). Cytogenetic location: 9q34.3.
Variant type: single nucleotide variant.
Coding change: c.823+3A>G on transcript NM_024757.5 (MANE Select); 3 bases into the intron after coding-DNA position 823, A replaced by G.
Molecular consequence: intron variant.
Genome position (GRCh38, 1-based): chr9:137,728,532, A>G. VCF-style: chr9-137728532-A-G. GRCh37 (hg19) VCF-style: chr9-140622984-A-G.
Other names: c.823+3A>G (NM_001354263.2, NM_001145527.2, NM_001354611.2); c.730+3A>G (NM_001354259.2, NM_001354612.2).
Identifiers: ClinVar variation 3340608 (VCV003340608.1).